The following is an entry in ClinVar:

ClinVar aggregate classification (germline): Uncertain significance. Review status: criteria provided, single submitter (1 of 4 stars). 2 submissions from 2 submitters: Uncertain significance (1). 1 of the submissions does not count toward it. Last evaluated 2024-08-19.

Conditions:
ARFGEF1-related disorder. Also called: ARFGEF1-related condition.

gnomAD v4.1: 13 of 1,594,412 alleles (0.00082%); highest among the groups gnomAD compares: South Asian, 0.0023%; no homozygotes.

Submissions (2):

GeneDx
Classification: Uncertain significance. Last evaluated: 2024-08-19. Review status: criteria provided, single submitter. Criteria: GeneDx Variant Classification Process June 2021. Collection method: clinical testing. Allele origin: germline. Affected: yes.
Comment: Canonical splice site variant predicted to result in a null allele in a gene for which loss of function is a known mechanism of disease; Has not been previously published as pathogenic or benign to our knowledge

PreventionGenetics, part of Exact Sciences
Classification: Uncertain significance for ARFGEF1-related condition. Last evaluated: 2024-05-25. Review status: no assertion criteria provided. Collection method: clinical testing. Allele origin: germline. Not counted in ClinVar's aggregate classification.
Comment: The ARFGEF1 c.2699-2A>T variant is predicted to disrupt the AG splice acceptor site and interfere with normal splicing. To our knowledge, this variant has not been reported in the literature. This variant is reported in 0.0037% of alleles in individuals of European (Non-Finnish) descent in gnomAD. At this time, the clinical significance of this variant is uncertain due to the absence of conclusive functional and genetic evidence.

NM_006421.5(ARFGEF1):c.2699-2A>T

Gene: ARFGEF1 (ARF guanine nucleotide exchange factor 1; minus strand). Cytogenetic location: 8q13.2.
Variant type: single nucleotide variant.
Coding change: c.2699-2A>T on transcript NM_006421.5 (MANE Select); the canonical splice acceptor site of the intron before coding-DNA position 2699, A replaced by T.
Molecular consequence: splice acceptor variant. On other transcripts: intron variant (1).
Genome position (GRCh38, 1-based): chr8:67,251,452, T>A on the plus strand (A>T on the coding strand, the complement: ARFGEF1 is on the minus strand). VCF-style: chr8-67251452-T-A. GRCh37 (hg19) VCF-style: chr8-68163687-T-A.
Other names: c.2699-2A>T (NM_001413186.1, NM_001413187.1, NM_001413185.1 and 6 more transcripts); c.2099-2A>T (NM_001413188.1, NM_001413197.1, NM_001413193.1); c.1274-2A>T (NM_001413196.1); c.2699-8A>T (NM_001413190.1).
Identifiers: ClinVar variation 3357773 (VCV003357773.2).